The following is an entry in ClinVar:

ClinVar aggregate classification (germline): Uncertain significance (1 of 4 stars; one submission).

Conditions:
Acrocallosal syndrome (ACLS). Also called: Schinzel syndrome 1; Absence of corpus callosum with unusual facial appearance, mental deficiency, duplication of the halluces and polydactyly; HALLUX DUPLICATION, POSTAXIAL POLYDACTYLY, AND ABSENCE OF CORPUS CALLOSUM. Identifiers: Orphanet 36, MedGen C0796147, MONDO:0008708, OMIM 200990.

Allele frequency attached by ClinVar (database versions not stated): gnomAD 0.00001; gnomAD exomes 0.00001; TOPMed 0.00001.
gnomAD v4.1: 12 of 1,613,934 alleles (0.00074%); highest among the groups gnomAD compares: Non-Finnish European, 0.001%; no homozygotes.

Submission:

Labcorp Genetics (formerly Invitae), Labcorp
Classification: Uncertain significance for Acrocallosal syndrome. Last evaluated: 2024-06-10. Review status: criteria provided, single submitter. Criteria: Invitae Variant Classification Sherloc (09022015). Collection method: clinical testing. Allele origin: germline.
Comment: This sequence change replaces lysine, which is basic and polar, with glutamic acid, which is acidic and polar, at codon 662 of the KIF7 protein (p.Lys662Glu). This variant is not present in population databases (gnomAD no frequency). This variant has not been reported in the literature in individuals affected with KIF7-related conditions. ClinVar contains an entry for this variant (Variation ID: 2170053). Advanced modeling of protein sequence and biophysical properties (such as structural, functional, and spatial information, amino acid conservation, physicochemical variation, residue mobility, and thermodynamic stability) performed at Invitae indicates that this missense variant is not expected to disrupt KIF7 protein function with a negative predictive value of 80%. In summary, the available evidence is currently insufficient to determine the role of this variant in disease. Therefore, it has been classified as a Variant of Uncertain Significance.

NM_198525.3(KIF7):c.1984A>G (p.Lys662Glu)

Gene: KIF7 (kinesin family member 7; minus strand). Cytogenetic location: 15q26.1.
Variant type: single nucleotide variant.
Coding change: c.1984A>G on transcript NM_198525.3 (MANE Select); coding-DNA position 1984, A replaced by G.
Protein change: p.Lys662Glu; replaces lysine 662 with glutamic acid.
Molecular consequence: missense variant.
Genome position (GRCh38, 1-based): chr15:89,645,390, T>C on the plus strand (A>G on the coding strand, the complement: KIF7 is on the minus strand). VCF-style: chr15-89645390-T-C. GRCh37 (hg19) VCF-style: chr15-90188621-T-C.
Other names: short protein forms K662E.
Identifiers: ClinVar variation 2170053 (VCV002170053.4), dbSNP rs1383761644, ClinGen allele CA393764157.